The following is an entry in ClinVar:

ClinVar aggregate classification (germline): Benign. Review status: criteria provided, single submitter (1 of 4 stars). 2 submissions from 2 submitters: Benign (1). 1 of the submissions does not count toward it. Last evaluated 2026-02-03.

Conditions:
KCNQ5-related disorder. Also called: KCNQ5-related condition.

Allele frequency attached by ClinVar (database versions not stated): gnomAD 0.02065 and 0.02026; 1000 Genomes Project 30x 0.01234; TOPMed 0.01711; gnomAD exomes 0.02317 and 0.02725; 1000 Genomes Project 0.01378; ExAC 0.02332; ESP Exome Variant Server 0.01861.
gnomAD v4.1: 42,723 of 1,614,086 alleles (2.6%); highest among the groups gnomAD compares: South Asian, 3.9%; 676 homozygotes.

Submissions (2):

Labcorp Genetics (formerly Invitae), Labcorp
Classification: Benign. Last evaluated: 2026-02-03. Review status: criteria provided, single submitter. Criteria: Invitae Variant Classification Sherloc (09022015). Collection method: clinical testing. Allele origin: germline.

PreventionGenetics, part of Exact Sciences
Classification: Benign for KCNQ5-related condition. Last evaluated: 2019-03-20. Review status: no assertion criteria provided. Collection method: clinical testing. Allele origin: germline. Not counted in ClinVar's aggregate classification.
Comment: This variant is classified as benign based on ACMG/AMP sequence variant interpretation guidelines (Richards et al. 2015 PMID: 25741868, with internal and published modifications).

NM_019842.4(KCNQ5):c.2274G>A (p.Lys758=)

Gene: KCNQ5 (potassium voltage-gated channel subfamily Q member 5; plus strand). Cytogenetic location: 6q13.
Variant type: single nucleotide variant.
Coding change: c.2274G>A on transcript NM_019842.4 (MANE Select); coding-DNA position 2274, G replaced by A.
Protein change: p.Lys758=; no amino-acid change (lysine 758 retained).
Molecular consequence: synonymous variant.
Genome position (GRCh38, 1-based): chr6:73,194,889, G>A. VCF-style: chr6-73194889-G-A. GRCh37 (hg19) VCF-style: chr6-73904612-G-A.
Other names: c.2247G>A, p.Lys749= (NM_001160130.2); c.2304G>A, p.Lys768= (NM_001160132.2); c.2331G>A, p.Lys777= (NM_001160133.2); c.1944G>A, p.Lys648= (NM_001160134.2); c.2331G>A (NM_001160133.1).
Identifiers: ClinVar variation 1657954 (VCV001657954.10), dbSNP rs17810318, ClinGen allele CA3887234.